The following is an entry in ClinVar:

NM_001204.7(BMPR2):c.1393G>T (p.Ala465Ser)

Gene: BMPR2 (bone morphogenetic protein receptor type 2; plus strand). Cytogenetic location: 2q33.2.
Variant type: single nucleotide variant.
Coding change: c.1393G>T on transcript NM_001204.7 (MANE Select); coding-DNA position 1393, G replaced by T.
Protein change: p.Ala465Ser; replaces alanine 465 with serine.
Molecular consequence: missense variant.
Genome position (GRCh38, 1-based): chr2:202,542,427, G>T. VCF-style: chr2-202542427-G-T. GRCh37 (hg19) VCF-style: chr2-203407150-G-T.
Other names: short protein forms A465S.
Identifiers: ClinVar variation 3992172 (VCV003992172.1).

ClinVar aggregate classification (germline): Uncertain significance (1 of 4 stars; one submission).

Conditions:
Inborn genetic diseases. Identifiers: MedGen C0950123, MeSH D030342.

Submission:

Ambry Genetics
Classification: Uncertain significance for Inborn genetic diseases. Last evaluated: 2025-05-17. Review status: criteria provided, single submitter. Criteria: Ambry Variant Classification Scheme 2023. Collection method: clinical testing. Allele origin: germline.
Comment: The p.A465S variant (also known as c.1393G>T), located in coding exon 10 of the BMPR2 gene, results from a G to T substitution at nucleotide position 1393. The alanine at codon 465 is replaced by serine, an amino acid with similar properties. This amino acid position is conserved. In addition, the in silico prediction for this alteration is inconclusive. Based on the available evidence, the clinical significance of this variant remains unclear.